The following is an entry in ClinVar:

ClinVar aggregate classification (germline): Benign/Likely benign. Review status: criteria provided, multiple submitters, no conflicts (2 of 4 stars). 7 submissions from 7 submitters: Benign (2); Likely benign (5). Last evaluated 2026-01-28.

Conditions:
MET-related disorder. Also called: MET-related condition.
Renal cell carcinoma. Identifiers: Orphanet 217071, MedGen C0007134, MeSH D002292, MONDO:0005086, HP:0005584.
Hereditary cancer-predisposing syndrome. Also called: Tumor predisposition; Hereditary neoplastic syndrome; Neoplastic Syndromes, Hereditary; Hereditary Cancer Syndrome. Identifiers: Orphanet 140162, MedGen C0027672, MeSH D009386, MONDO:0015356.
Papillary renal cell carcinoma type 1 (RCCP1). Also called: RENAL CELL CARCINOMA, PAPILLARY, 1, SOMATIC; Renal adenocarcinoma; Renal cell carcinoma 1; Renal cell carcinoma, somatic. Identifiers: Orphanet 47044, MedGen C1336839, OMIM 605074, HP:0011797.

Allele frequency attached by ClinVar (database versions not stated): gnomAD 0.00001; gnomAD exomes 0.00002 and 0.00003; TOPMed 0.00002; ExAC 0.00003; ESP Exome Variant Server 0.00008; 1000 Genomes Project 30x 0.00016; 1000 Genomes Project 0.00020.
gnomAD v4.1: 33 of 1,614,082 alleles (0.002%); highest among the groups gnomAD compares: Middle Eastern, 0.2%; no homozygotes.

Submissions (7):

Labcorp Genetics (formerly Invitae), Labcorp
Classification: Likely benign for Renal cell carcinoma. Last evaluated: 2026-01-28. Review status: criteria provided, single submitter. Criteria: Invitae Variant Classification Sherloc (09022015). Collection method: clinical testing. Allele origin: germline.

PreventionGenetics, part of Exact Sciences
Classification: Likely benign for MET-related condition. Last evaluated: 2025-12-30. Review status: criteria provided, single submitter. Criteria: ACMG Guidelines, 2015. Collection method: clinical testing. Allele origin: germline.
Comment: This variant is classified as likely benign based on ACMG/AMP sequence variant interpretation guidelines (Richards et al. 2015 PMID: 25741868, with internal and published modifications).

KCCC/NGS Laboratory, Kuwait Cancer Control Center
Classification: Benign for Papillary renal cell carcinoma type 1. Last evaluated: 2025-02-01. Review status: criteria provided, single submitter. Criteria: ACMG Guidelines, 2015. Collection method: clinical testing. Allele origin: germline. Affected: no.

Myriad Genetics, Inc.
Classification: Benign for Papillary renal cell carcinoma type 1. Last evaluated: 2024-11-08. Review status: criteria provided, single submitter. Criteria: Myriad Autosomal Dominant, Autosomal Recessive and X-Linked Classification Criteria (2023). Collection method: clinical testing. Allele origin: unknown.
Comment: This variant is considered benign. This variant is a silent/synonymous amino acid change and it is not expected to impact splicing.

Ambry Genetics
Classification: Likely benign for Hereditary cancer-predisposing syndrome. Last evaluated: 2020-03-19. Review status: criteria provided, single submitter. Criteria: Ambry Variant Classification Scheme 2023. Collection method: clinical testing. Allele origin: germline.

GeneDx
Classification: Likely benign. Last evaluated: 2018-04-29. Review status: criteria provided, single submitter. Criteria: GeneDx Variant Classification (06012015). Collection method: clinical testing. Allele origin: germline. Affected: yes.
Comment: This variant is considered likely benign or benign based on one or more of the following criteria: it is a conservative change, it occurs at a poorly conserved position in the protein, it is predicted to be benign by multiple in silico algorithms, and/or has population frequency not consistent with disease.

Breakthrough Genomics
Classification: Likely benign. Review status: criteria provided, single submitter. Criteria: ACMG Guidelines, 2015. Collection method: not provided. Allele origin: germline. Inheritance: Autosomal recessive inheritance. Affected: yes.

NM_000245.4(MET):c.1854G>A (p.Thr618=)

Gene: MET (MET proto-oncogene, receptor tyrosine kinase; plus strand). Cytogenetic location: 7q31.2.
Variant type: single nucleotide variant.
Coding change: c.1854G>A on transcript NM_000245.4 (MANE Select); coding-DNA position 1854, G replaced by A.
Protein change: p.Thr618=; no amino-acid change (threonine 618 retained).
Molecular consequence: synonymous variant.
Genome position (GRCh38, 1-based): chr7:116,755,507, G>A. VCF-style: chr7-116755507-G-A. GRCh37 (hg19) VCF-style: chr7-116395561-G-A.
Other names: c.1854G>A (NM_001127500.2); c.1854G>A, p.Thr618= (NM_001127500.3, NM_001324401.3); c.564G>A, p.Thr188= (NM_001324402.2).
Identifiers: ClinVar variation 454201 (VCV000454201.19), dbSNP rs367764141, ClinGen allele CA4448285.